The following is an entry in ClinVar:

ClinVar aggregate classification (germline): Conflicting classifications of pathogenicity. Review status: criteria provided, conflicting classifications (1 of 4 stars). 6 submissions from 6 submitters: Uncertain significance (1); Likely benign (4). 1 of the submissions does not count toward it. Last evaluated 2026-01-18.

Conditions:
Cardiovascular phenotype. Identifiers: MedGen CN230736.
ABCG5-related disorder. Also called: ABCG5-related condition.
Sitosterolemia (STSL). Also called: PHYTOSTEROLEMIA. Identifiers: Orphanet 2882, MedGen C0342907, MONDO:0008863.

Allele frequency attached by ClinVar (database versions not stated): gnomAD exomes 0.00023; ESP Exome Variant Server 0.00039; gnomAD 0.00046; ExAC 0.00050; TOPMed 0.00051; 1000 Genomes Project 30x 0.00125; 1000 Genomes Project 0.00140.
gnomAD v4.1: 351 of 1,609,798 alleles (0.022%); highest among the groups gnomAD compares: African/African-American, 0.1%; 1 homozygote.

Submissions (6):

Labcorp Genetics (formerly Invitae), Labcorp
Classification: Likely benign for Sitosterolemia. Last evaluated: 2026-01-18. Review status: criteria provided, single submitter. Criteria: Invitae Variant Classification Sherloc (09022015). Collection method: clinical testing. Allele origin: germline.

Blueprint Genetics
Classification: Likely benign. Last evaluated: 2024-08-07. Review status: criteria provided, single submitter. Criteria: ACMG Guidelines, 2015. Collection method: clinical testing. Allele origin: germline.

Women's Health and Genetics/Laboratory Corporation of America, LabCorp
Classification: Likely benign. Last evaluated: 2023-07-18. Review status: criteria provided, single submitter. Criteria: LabCorp Variant Classification Summary - May 2015. Collection method: clinical testing. Allele origin: germline.

Ambry Genetics
Classification: Likely benign for Cardiovascular phenotype. Last evaluated: 2022-02-17. Review status: criteria provided, single submitter. Criteria: Ambry Variant Classification Scheme 2023. Collection method: clinical testing. Allele origin: germline.

Eurofins Ntd Llc (ga)
Classification: Uncertain significance. Last evaluated: 2018-05-11. Review status: criteria provided, single submitter. Criteria: EGL ClinVar v180209 classification definitions. Collection method: clinical testing. Allele origin: germline. Observed: 1 variant allele, 1 heterozygote.

PreventionGenetics, part of Exact Sciences
Classification: Likely benign for ABCG5-related condition. Last evaluated: 2024-04-17. Review status: no assertion criteria provided. Collection method: clinical testing. Allele origin: germline. Not counted in ClinVar's aggregate classification.
Comment: This variant is classified as likely benign based on ACMG/AMP sequence variant interpretation guidelines (Richards et al. 2015 PMID: 25741868, with internal and published modifications).

NM_022436.3(ABCG5):c.99G>A (p.Pro33=)

Gene: ABCG5 (ATP binding cassette subfamily G member 5; minus strand). Cytogenetic location: 2p21.
Variant type: single nucleotide variant.
Coding change: c.99G>A on transcript NM_022436.3 (MANE Select); coding-DNA position 99, G replaced by A.
Protein change: p.Pro33=; no amino-acid change (proline 33 retained).
Molecular consequence: synonymous variant.
Genome position (GRCh38, 1-based): chr2:43,838,581, C>T on the plus strand (G>A on the coding strand, the complement: ABCG5 is on the minus strand). VCF-style: chr2-43838581-C-T. GRCh37 (hg19) VCF-style: chr2-44065720-C-T.
Identifiers: ClinVar variation 597157 (VCV000597157.17), dbSNP rs149907931, ClinGen allele CA1636801.